The following is an entry in ClinVar:

NM_000512.5(GALNS):c.1520G>T (p.Cys507Phe)

Gene: GALNS (galactosamine (N-acetyl)-6-sulfatase; minus strand). Cytogenetic location: 16q24.3.
Variant type: single nucleotide variant.
Coding change: c.1520G>T on transcript NM_000512.5 (MANE Select); coding-DNA position 1520, G replaced by T.
Protein change: p.Cys507Phe; replaces cysteine 507 with phenylalanine.
Molecular consequence: missense variant.
Genome position (GRCh38, 1-based): chr16:88,814,488, C>A on the plus strand (G>T on the coding strand, the complement: GALNS is on the minus strand). VCF-style: chr16-88814488-C-A. GRCh37 (hg19) VCF-style: chr16-88880896-C-A.
Other names: c.965G>T, p.Cys322Phe (NM_001323543.2); c.1538G>T, p.Cys513Phe (NM_001323544.2); short protein forms C507F, C322F, C513F.
Identifiers: ClinVar variation 93169 (VCV000093169.15), dbSNP rs398123433, ClinGen allele CA221046.
Genomic context (GRCh38, chr16:88,814,488, plus strand): 5'-CTGCGCAGGTGCTAGTGGGACCAGAGGCACTTCTTGGGAATGGATTCTGGAGGTGTCAGA[C>A]ACTTCCCTAACTTTTCACAGCCCGGAGGTGCCCAGTTCTGGGAAATGAAAATTGAGAAAA-3'
Protein context (NP_000503.1, residues 497-517): APPGCEKLGK[Cys507Phe]LTPPESIPKK

ClinVar aggregate classification (germline): Conflicting classifications of pathogenicity. Review status: criteria provided, conflicting classifications (1 of 4 stars). 5 submissions from 5 submitters: Pathogenic (1); Uncertain significance (3). 1 of the submissions does not count toward it. Last evaluated 2026-05-14.

Conditions:
Morquio syndrome. Also called: Mucopolysaccharidosis, Type IV; MPS IV; Mucopolysaccharidosis type 4; Eccentrochondrodysplasia. Identifiers: Orphanet 582, MedGen C0026707, MONDO:0018938.
Mucopolysaccharidosis, MPS-IV-A (MPS4A). Also called: MPS IVA; Mucopolysaccharidosis Type IVA; Morquio syndrome A, mild; MORQUIO A DISEASE; mucopolysaccharidosis type 4A; Mucopolysaccharidosis type IV A. Identifiers: Orphanet 309297, Orphanet 582, MedGen C0086651, MONDO:0009659, OMIM 253000.

Allele frequency attached by ClinVar (database versions not stated): TOPMed 0.00001; gnomAD 0.00001.

Submissions (5):

Women's Health and Genetics/Laboratory Corporation of America, LabCorp
Classification: Pathogenic for Morquio syndrome. Last evaluated: 2026-05-14. Review status: criteria provided, single submitter. Criteria: LabCorp Variant Classification Summary - May 2015. Collection method: clinical testing. Allele origin: germline.
Comment: Variant summary: GALNS c.1520G>T (p.Cys507Phe) results in a non-conservative amino acid change in the encoded protein sequence. Algorithms developed to predict the effect of missense changes on protein structure and function all suggest that this variant is likely to be disruptive. The variant was absent in 171864 control chromosomes. c.1520G>T has been observed in the presumed or confirmed compound heterozygous and homozygous states in multiple individual(s) affected with Mucopolysaccharidosis Type IVA (Morquio Syndrome A) (example, Zanetti_2021), including at least 1 family where it segregated with disease. These data indicate that the variant is likely to be associated with disease. At least one publication reports experimental evidence evaluating an impact on protein function. The most pronounced variant effect results in <10% of normal activity in patient samples (Zanetti_2021). The following publication has been ascertained in the context of this evaluation (PMID: 34387910). ClinVar contains an entry for this variant (Variation ID: 93169). Based on the evidence outlined above, the variant was classified as pathogenic.

Genome-Nilou Lab
Classification: Uncertain significance for Mucopolysaccharidosis, MPS-IV-A. Last evaluated: 2021-11-07. Review status: criteria provided, single submitter. Criteria: ACMG Guidelines, 2015. Collection method: clinical testing. Allele origin: germline. Affected: no.

Laboratory of Diagnosis and Therapy of Lysosomal Disorders, University of Padova
Classification: Uncertain significance for Mucopolysaccharidosis, MPS-IV-A. Last evaluated: 2021-02-01. Review status: criteria provided, single submitter. Criteria: ACMG Guidelines, 2015. Collection method: research. Allele origin: germline. Affected: yes.
Comment: In vivo functional studies supportive of a damaging effect on the gene product (low to null enzymatic activity in homozygotes; PS3_supporting); absent from gnomAD v2.1.1 (PM2_moderate); cosegregation with disease in multiple affected family members in a gene definitively known to cause the disease (PP1_supporting); multiple lines of computational evidence support a deleterious effect on the gene (PP3_supporting)

Eurofins Ntd Llc (ga)
Classification: Uncertain significance. Last evaluated: 2013-11-14. Review status: criteria provided, single submitter. Criteria: EGL Classification Definitions 2015. Collection method: clinical testing. Allele origin: germline. Observed: 2 variant alleles, 2 heterozygotes.

GeneReviews
No classification provided. Condition: Mucopolysaccharidosis, MPS-IV-A. Review status: no classification provided. Collection method: literature only. Allele origin: germline. Not counted in ClinVar's aggregate classification.

Literature cited by the submitters: PubMed 34387910 (cited by Women's Health and Genetics/Laboratory Corporation of America, LabCorp and Laboratory of Diagnosis and Therapy of Lysosomal Disorders, University of Padova); PubMed 24726177 (cited by Laboratory of Diagnosis and Therapy of Lysosomal Disorders, University of Padova); PubMed 30809705 (cited by Laboratory of Diagnosis and Therapy of Lysosomal Disorders, University of Padova and GeneReviews); PubMed 23844448 (cited by GeneReviews).